The following is an entry in ClinVar:

NM_000390.4(CHM):c.1945G>A (p.Glu649Lys)

Gene: CHM (CHM Rab escort protein; minus strand). Cytogenetic location: Xq21.2.
Variant type: single nucleotide variant.
Coding change: c.1945G>A on transcript NM_000390.4 (MANE Select); coding-DNA position 1945, G replaced by A.
Protein change: p.Glu649Lys; replaces glutamic acid 649 with lysine.
Molecular consequence: missense variant.
Genome position (GRCh38, 1-based): chrX:85,864,647, C>T on the plus strand (G>A on the coding strand, the complement: CHM is on the minus strand). VCF-style: chrX-85864647-C-T. GRCh37 (hg19) VCF-style: chrX-85119652-C-T.
Other names: c.1945G>A (NM_000390.3); c.1501G>A, p.Glu501Lys (NM_001320959.1, NM_001362517.1, NM_001362518.2 and 1 more transcripts); short protein forms E501K, E649K.
Identifiers: ClinVar variation 1494953 (VCV001494953.7), dbSNP rs2148111796, ClinGen allele CA413784733.

ClinVar aggregate classification (germline): Uncertain significance. Review status: criteria provided, single submitter (1 of 4 stars). 2 submissions from 2 submitters: Uncertain significance (1). 1 of the submissions does not count toward it. Last evaluated 2024-10-24.

Conditions:
Choroideremia. Also called: Chorioretinal scalloped atrophy. Identifiers: Orphanet 180, MedGen C0008525, MONDO:0010557, OMIM 303100, HP:0001139.

gnomAD v4.1: 2 of 1,209,632 alleles (0.00017%); highest among the groups gnomAD compares: Admixed American, 0.0022%; no homozygotes.

Submissions (2):

Labcorp Genetics (formerly Invitae), Labcorp
Classification: Uncertain significance. Last evaluated: 2024-10-24. Review status: criteria provided, single submitter. Criteria: Invitae Variant Classification Sherloc (09022015). Collection method: clinical testing. Allele origin: germline.
Comment: This sequence change replaces glutamic acid, which is acidic and polar, with lysine, which is basic and polar, at codon 649 of the CHM protein (p.Glu649Lys). This variant is not present in population databases (gnomAD no frequency). This variant has not been reported in the literature in individuals affected with CHM-related conditions. ClinVar contains an entry for this variant (Variation ID: 1494953). An algorithm developed to predict the effect of missense changes on protein structure and function (PolyPhen-2) suggests that this variant is likely to be tolerated. In summary, the available evidence is currently insufficient to determine the role of this variant in disease. Therefore, it has been classified as a Variant of Uncertain Significance.

Natera, Inc.
Classification: Uncertain significance for Choroideremia. Last evaluated: 2025-03-04. Review status: no assertion criteria provided. Collection method: clinical testing. Allele origin: germline. Not counted in ClinVar's aggregate classification.